The following is an entry in ClinVar:

ClinVar aggregate classification (germline): Pathogenic (1 of 4 stars; one submission).

Conditions:
Lysinuric protein intolerance (LPI). Identifiers: Orphanet 470, MedGen C0268647, MONDO:0009109, OMIM 222700.

Submission:

Labcorp Genetics (formerly Invitae), Labcorp
Classification: Pathogenic for Lysinuric protein intolerance. Last evaluated: 2022-05-16. Review status: criteria provided, single submitter. Criteria: Invitae Variant Classification Sherloc (09022015). Collection method: clinical testing. Allele origin: germline.
Comment: This variant is a gross deletion of the genomic region encompassing exon(s) 2-3 of the SLC7A7 gene, which includes the initiator codon. This deletion extends beyond the assayed region for this gene and therefore may encompass additional genes. It is expected to result in an absent or disrupted protein product. Loss-of-function variants in SLC7A7 are known to be pathogenic (PMID: 10631139, 17764084). This variant has not been reported in the literature in individuals affected with SLC7A7-related conditions. For these reasons, this variant has been classified as Pathogenic.

Literature cited by the submitters: PubMed 10631139; PubMed 17764084.

NC_000014.8:g.(?_23282099)_(23285111_?)del

Gene: SLC7A7 (solute carrier family 7 member 7; minus strand). Cytogenetic location: 14q11.2.
Variant type: Deletion.
Identifiers: ClinVar variation 1076351 (VCV001076351.6).